The following is an entry in ClinVar:

ClinVar aggregate classification (germline): Uncertain significance (1 of 4 stars; one submission).

Submission:

GeneDx
Classification: Uncertain significance. Last evaluated: 2019-10-10. Review status: criteria provided, single submitter. Criteria: GeneDx Variant Classification Process June 2021. Collection method: clinical testing. Allele origin: germline. Affected: yes.
Comment: Not observed in large population cohorts (Lek et al., 2016); In silico analysis, which includes protein predictors and evolutionary conservation, supports a deleterious effect; Has not been previously published as pathogenic or benign to our knowledge

NM_001205293.3(CACNA1E):c.1754A>G (p.Tyr585Cys)

Gene: CACNA1E (calcium voltage-gated channel subunit alpha1 E; plus strand). Cytogenetic location: 1q25.3.
Variant type: single nucleotide variant.
Coding change: c.1754A>G on transcript NM_001205293.3 (MANE Select); coding-DNA position 1754, A replaced by G.
Protein change: p.Tyr585Cys; replaces tyrosine 585 with cysteine.
Molecular consequence: missense variant.
Genome position (GRCh38, 1-based): chr1:181,720,208, A>G. VCF-style: chr1-181720208-A-G. GRCh37 (hg19) VCF-style: chr1-181689344-A-G.
Other names: c.1754A>G, p.Tyr585Cys (NM_000721.4, NM_001205294.2); short protein forms Y585C.
Identifiers: ClinVar variation 1308967 (VCV001308967.2), dbSNP rs2102478366, ClinGen allele CA343626793.
Genomic context (GRCh38, chr1:181,720,208, plus strand): 5'-CTTGGTGGGTGACTTGGTATGCAGTGTTCACAGCTGTCACATTGTCTGGGTTTTGTAGGT[A>G]TTGGGCTTCCCTACGGAATTTGGTGGTCTCCTTGATGAGCTCAATGAAGTCTATCATCAG-3'
Protein context (NP_001192222.1, residues 575-595): RLLRIFKITK[Tyr585Cys]WASLRNLVVS